The following is an entry in ClinVar:

NM_000377.3(WAS):c.931+5G>C

Gene: WAS (WASP actin nucleation promoting factor; plus strand). Cytogenetic location: Xp11.23.
Variant type: single nucleotide variant.
Coding change: c.931+5G>C on transcript NM_000377.3 (MANE Select); 5 bases into the intron after coding-DNA position 931, G replaced by C.
Molecular consequence: intron variant.
Genome position (GRCh38, 1-based): chrX:48,688,458, G>C. VCF-style: chrX-48688458-G-C. GRCh37 (hg19) VCF-style: chrX-48546847-G-C.
Identifiers: ClinVar variation 2033516 (VCV002033516.4), dbSNP rs2519286123, ClinGen allele CA2580101056.

ClinVar aggregate classification (germline): Uncertain significance (1 of 4 stars; one submission).

Conditions:
X-linked severe congenital neutropenia (SCNX). Identifiers: Orphanet 86788, MedGen C1845987, MONDO:0010294, OMIM 300299.
Thrombocytopenia 1. Also called: THROMBOCYTOPENIA, X-LINKED, 1; X-linked thrombocytopenia with normal platelets; X-Linked Thrombocytopenia (XLT). Identifiers: Orphanet 268322, Orphanet 852, MedGen C1839163, MONDO:0010743, OMIM 313900.
Wiskott-Aldrich syndrome (WAS). Also called: ALDRICH SYNDROME; IMMUNODEFICIENCY 2; WISKOTT-ALDRICH SYNDROME 1; Wiskott-aldrich syndrome, somatic. Identifiers: Orphanet 906, MedGen C0043194, MONDO:0010518, OMIM 301000.

Submission:

Labcorp Genetics (formerly Invitae), Labcorp
Classification: Uncertain significance for Wiskott-Aldrich syndrome; X-linked severe congenital neutropenia; Thrombocytopenia 1. Last evaluated: 2022-09-30. Review status: criteria provided, single submitter. Criteria: Invitae Variant Classification Sherloc (09022015). Collection method: clinical testing. Allele origin: germline.
Comment: In summary, the available evidence is currently insufficient to determine the role of this variant in disease. Therefore, it has been classified as a Variant of Uncertain Significance. Variants that disrupt the consensus splice site are a relatively common cause of aberrant splicing (PMID: 17576681, 9536098). Algorithms developed to predict the effect of sequence changes on RNA splicing suggest that this variant may disrupt the consensus splice site. This variant has not been reported in the literature in individuals affected with WAS-related conditions. This variant is not present in population databases (gnomAD no frequency). This sequence change falls in intron 9 of the WAS gene. It does not directly change the encoded amino acid sequence of the WAS protein. It affects a nucleotide within the consensus splice site.

Literature cited by the submitters: PubMed 17576681; PubMed 9536098.